The following is an entry in ClinVar:

ClinVar aggregate classification (germline): Uncertain significance (1 of 4 stars; one submission).

Submission:

Labcorp Genetics (formerly Invitae), Labcorp
Classification: Uncertain significance. Last evaluated: 2021-09-05. Review status: criteria provided, single submitter. Criteria: Invitae Variant Classification Sherloc (09022015). Collection method: clinical testing. Allele origin: germline.
Comment: This variant has not been reported in the literature in individuals affected with PEX3-related conditions. This variant is not present in population databases (ExAC no frequency). This sequence change replaces threonine with isoleucine at codon 113 of the PEX3 protein (p.Thr113Ile). The threonine residue is highly conserved and there is a moderate physicochemical difference between threonine and isoleucine. In summary, the available evidence is currently insufficient to determine the role of this variant in disease. Therefore, it has been classified as a Variant of Uncertain Significance. Algorithms developed to predict the effect of missense changes on protein structure and function are either unavailable or do not agree on the potential impact of this missense change (SIFT: "Deleterious"; PolyPhen-2: "Possibly Damaging"; Align-GVGD: "Class C0").

NM_003630.3(PEX3):c.338C>T (p.Thr113Ile)

Gene: PEX3 (peroxisomal biogenesis factor 3; plus strand). Cytogenetic location: 6q24.2.
Variant type: single nucleotide variant.
Coding change: c.338C>T on transcript NM_003630.3 (MANE Select); coding-DNA position 338, C replaced by T.
Protein change: p.Thr113Ile; replaces threonine 113 with isoleucine.
Molecular consequence: missense variant.
Genome position (GRCh38, 1-based): chr6:143,470,967, C>T. VCF-style: chr6-143470967-C-T. GRCh37 (hg19) VCF-style: chr6-143792104-C-T.
Other names: short protein forms T113I.
Identifiers: ClinVar variation 1475074 (VCV001475074.6), dbSNP rs2128746660, ClinGen allele CA365909460.
Genomic context (GRCh38, chr6:143,470,967, plus strand): 5'-TTTTACACATTTGTATTAATCACAGTACCAAATGCTTTTCTTTTCTCTGTGAAGGTTTCA[C>T]AAGAAGTACTGTGGCTGTATACAGTACCTGTATGCTGGTTGTTCTTTTGCGGGTCCAGTT-3'
Protein context (NP_003621.1, residues 103-123): IWEDLKIISF[Thr113Ile]RSTVAVYSTC